The following is an entry in ClinVar:

ClinVar aggregate classification (germline): Uncertain significance. Review status: criteria provided, multiple submitters, no conflicts (2 of 4 stars). 4 submissions from 4 submitters: Uncertain significance (4). Last evaluated 2025-08-22.

Conditions:
CD36-related disorder. Also called: CD36-related disorders; CD36-related condition.
Platelet-type bleeding disorder 10. Also called: CD36 DEFICIENCY. Identifiers: MedGen C1842090, MONDO:0012031, OMIM 608404.

Allele frequency attached by ClinVar (database versions not stated): TOPMed 0.00012; 1000 Genomes Project 30x 0.00031; 1000 Genomes Project 0.00040.
gnomAD v4.1: 95 of 1,613,216 alleles (0.0059%); highest among the groups gnomAD compares: East Asian, 0.058%; no homozygotes.

Submissions (4):

PreventionGenetics, part of Exact Sciences
Classification: Uncertain significance for CD36-related condition. Last evaluated: 2025-08-22. Review status: criteria provided, single submitter. Criteria: ACMG Guidelines, 2015. Collection method: clinical testing. Allele origin: germline.
Comment: The CD36 c.275C>T variant is predicted to result in the amino acid substitution p.Thr92Met. To our knowledge, this variant has not been reported in the literature. This variant is reported in 0.035% of alleles in individuals of East Asian descent in gnomAD. At this time, the clinical significance of this variant is uncertain due to the absence of conclusive functional and genetic evidence.

Blueprint Genetics
Classification: Uncertain significance. Last evaluated: 2023-12-26. Review status: criteria provided, single submitter. Criteria: ACMG Guidelines, 2015. Collection method: clinical testing. Allele origin: germline.

Illumina Laboratory Services, Illumina
Classification: Uncertain significance for Platelet-type bleeding disorder 10. Last evaluated: 2018-01-12. Review status: criteria provided, single submitter. Criteria: ICSL Variant Classification Criteria 13 December 2019. Collection method: clinical testing. Allele origin: germline.

Breakthrough Genomics
Classification: Uncertain significance. Review status: criteria provided, single submitter. Criteria: ACMG Guidelines, 2015. Collection method: not provided. Allele origin: germline. Inheritance: Autosomal recessive inheritance. Affected: yes.

NM_001001548.3(CD36):c.275C>T (p.Thr92Met)

Gene: CD36 (CD36 molecule (CD36 blood group); plus strand). Cytogenetic location: 7q21.11.
Variant type: single nucleotide variant.
Coding change: c.275C>T on transcript NM_001001548.3 (MANE Select); coding-DNA position 275, C replaced by T.
Protein change: p.Thr92Met; replaces threonine 92 with methionine.
Molecular consequence: missense variant. On other transcripts: 5 prime UTR variant (1), non-coding transcript variant (1), intron variant (1).
Genome position (GRCh38, 1-based): chr7:80,656,694, C>T. VCF-style: chr7-80656694-C-T. GRCh37 (hg19) VCF-style: chr7-80286010-C-T.
Other names: c.275C>T, p.Thr92Met (NM_000072.3, NM_001001547.3, NM_001127443.2 and 7 more transcripts); c.47C>T, p.Thr16Met (NM_001289911.2); c.173C>T, p.Thr58Met (NM_001371079.1); c.-208C>T (NM_001371081.1); c.-184-4369C>T (NM_001371080.1); short protein forms T92M, T16M, T58M.
Identifiers: ClinVar variation 908922 (VCV000908922.7), dbSNP rs150037612, ClinGen allele CA4315073.
Genomic context (GRCh38, chr7:80,656,694, plus strand): 5'-ATCCACAGGAAGTGATGATGAACAGCAGCAACATTCAAGTTAAGCAAAGAGGTCCTTATA[C>T]GTACAGGTGAGTGAGTCCCCACAAATATGAGACACTCTTACCTTGACCATGTATTTCTGA-3'
Protein context (NP_001001548.1, residues 82-102): NIQVKQRGPY[Thr92Met]YRVRFLAKEN